The following continues an entry in ClinVar:

NM_001037171.2(ACOT9):c.934G>C (p.Glu312Gln)

Gene: ACOT9. ClinVar aggregate classification (germline): Benign.

Submissions 34 to 68 of 94:

Dr. Peter K. Rogan Lab, Western University
No classification provided (evidence only). Condition: Colorectal cancer. Review status: no classification provided. Collection method: in vitro. Allele origin: not applicable. Functional consequence: retained intron. Not counted in ClinVar's aggregate classification.

Dr. Peter K. Rogan Lab, Western University
No classification provided (evidence only). Condition: Colorectal cancer. Review status: no classification provided. Collection method: in vitro. Allele origin: not applicable. Functional consequence: cryptic splice site. Not counted in ClinVar's aggregate classification.

Dr. Peter K. Rogan Lab, Western University
No classification provided (evidence only). Condition: Colorectal cancer. Review status: no classification provided. Collection method: in vitro. Allele origin: not applicable. Functional consequence: cryptic splice site, retained intron. Not counted in ClinVar's aggregate classification.

Dr. Peter K. Rogan Lab, Western University
No classification provided (evidence only). Condition: Uterine corpus endometrial carcinoma. Review status: no classification provided. Collection method: in vitro. Allele origin: not applicable. Functional consequence: cryptic splice site. Not counted in ClinVar's aggregate classification.

Dr. Peter K. Rogan Lab, Western University
No classification provided (evidence only). Condition: Uterine corpus endometrial carcinoma. Review status: no classification provided. Collection method: in vitro. Allele origin: not applicable. Functional consequence: cryptic splice site, retained intron. Not counted in ClinVar's aggregate classification.

Dr. Peter K. Rogan Lab, Western University
No classification provided (evidence only). Condition: Uterine corpus endometrial carcinoma. Review status: no classification provided. Collection method: in vitro. Allele origin: not applicable. Functional consequence: retained intron. Not counted in ClinVar's aggregate classification.

Dr. Peter K. Rogan Lab, Western University
No classification provided (evidence only). Condition: Uterine corpus endometrial carcinoma. Review status: no classification provided. Collection method: in vitro. Allele origin: not applicable. Functional consequence: cryptic splice site, retained intron. Not counted in ClinVar's aggregate classification.

Dr. Peter K. Rogan Lab, Western University
No classification provided (evidence only). Condition: Uterine corpus endometrial carcinoma. Review status: no classification provided. Collection method: in vitro. Allele origin: not applicable. Functional consequence: retained intron. Not counted in ClinVar's aggregate classification.

Dr. Peter K. Rogan Lab, Western University
No classification provided (evidence only). Condition: Cervical cancer. Review status: no classification provided. Collection method: in vitro. Allele origin: not applicable. Functional consequence: cryptic splice site, retained intron. Not counted in ClinVar's aggregate classification.

Dr. Peter K. Rogan Lab, Western University
No classification provided (evidence only). Condition: Cervical cancer. Review status: no classification provided. Collection method: in vitro. Allele origin: not applicable. Functional consequence: cryptic splice site, retained intron. Not counted in ClinVar's aggregate classification.

Dr. Peter K. Rogan Lab, Western University
No classification provided (evidence only). Condition: Cervical cancer. Review status: no classification provided. Collection method: in vitro. Allele origin: not applicable. Functional consequence: cryptic splice site, retained intron. Not counted in ClinVar's aggregate classification.

Dr. Peter K. Rogan Lab, Western University
No classification provided (evidence only). Condition: Cervical cancer. Review status: no classification provided. Collection method: in vitro. Allele origin: not applicable. Functional consequence: retained intron. Not counted in ClinVar's aggregate classification.

Dr. Peter K. Rogan Lab, Western University
No classification provided (evidence only). Condition: Cervical cancer. Review status: no classification provided. Collection method: in vitro. Allele origin: not applicable. Functional consequence: retained intron. Not counted in ClinVar's aggregate classification.

Dr. Peter K. Rogan Lab, Western University
No classification provided (evidence only). Condition: Cervical cancer. Review status: no classification provided. Collection method: in vitro. Allele origin: not applicable. Functional consequence: cryptic splice site, retained intron. Not counted in ClinVar's aggregate classification.

Dr. Peter K. Rogan Lab, Western University
No classification provided (evidence only). Condition: Cervical cancer. Review status: no classification provided. Collection method: in vitro. Allele origin: not applicable. Functional consequence: retained intron. Not counted in ClinVar's aggregate classification.

Dr. Peter K. Rogan Lab, Western University
No classification provided (evidence only). Condition: Sarcoma. Review status: no classification provided. Collection method: in vitro. Allele origin: not applicable. Functional consequence: cryptic splice site, skipped exon, retained intron. Not counted in ClinVar's aggregate classification.

Dr. Peter K. Rogan Lab, Western University
No classification provided (evidence only). Condition: Sarcoma. Review status: no classification provided. Collection method: in vitro. Allele origin: not applicable. Functional consequence: cryptic splice site, retained intron. Not counted in ClinVar's aggregate classification.

Dr. Peter K. Rogan Lab, Western University
No classification provided (evidence only). Condition: Sarcoma. Review status: no classification provided. Collection method: in vitro. Allele origin: not applicable. Functional consequence: cryptic splice site, retained intron. Not counted in ClinVar's aggregate classification.

Dr. Peter K. Rogan Lab, Western University
No classification provided (evidence only). Condition: Sarcoma. Review status: no classification provided. Collection method: in vitro. Allele origin: not applicable. Functional consequence: cryptic splice site, retained intron. Not counted in ClinVar's aggregate classification.

Dr. Peter K. Rogan Lab, Western University
No classification provided (evidence only). Condition: Sarcoma. Review status: no classification provided. Collection method: in vitro. Allele origin: not applicable. Functional consequence: retained intron. Not counted in ClinVar's aggregate classification.

Dr. Peter K. Rogan Lab, Western University
No classification provided (evidence only). Condition: Sarcoma. Review status: no classification provided. Collection method: in vitro. Allele origin: not applicable. Functional consequence: cryptic splice site, retained intron. Not counted in ClinVar's aggregate classification.

Dr. Peter K. Rogan Lab, Western University
No classification provided (evidence only). Condition: Sarcoma. Review status: no classification provided. Collection method: in vitro. Allele origin: not applicable. Functional consequence: cryptic splice site, retained intron. Not counted in ClinVar's aggregate classification.

Dr. Peter K. Rogan Lab, Western University
No classification provided (evidence only). Condition: Hepatocellular carcinoma. Review status: no classification provided. Collection method: in vitro. Allele origin: not applicable. Functional consequence: retained intron. Not counted in ClinVar's aggregate classification.

Dr. Peter K. Rogan Lab, Western University
No classification provided (evidence only). Condition: Hepatocellular carcinoma. Review status: no classification provided. Collection method: in vitro. Allele origin: not applicable. Functional consequence: retained intron. Not counted in ClinVar's aggregate classification.

Dr. Peter K. Rogan Lab, Western University
No classification provided (evidence only). Condition: Hepatocellular carcinoma. Review status: no classification provided. Collection method: in vitro. Allele origin: not applicable. Functional consequence: cryptic splice site, retained intron. Not counted in ClinVar's aggregate classification.

Dr. Peter K. Rogan Lab, Western University
No classification provided (evidence only). Condition: Hepatocellular carcinoma. Review status: no classification provided. Collection method: in vitro. Allele origin: not applicable. Functional consequence: cryptic splice site. Not counted in ClinVar's aggregate classification.

Dr. Peter K. Rogan Lab, Western University
No classification provided (evidence only). Condition: Nonpapillary renal cell carcinoma. Review status: no classification provided. Collection method: in vitro. Allele origin: not applicable. Functional consequence: retained intron. Not counted in ClinVar's aggregate classification.

Dr. Peter K. Rogan Lab, Western University
No classification provided (evidence only). Condition: Nonpapillary renal cell carcinoma. Review status: no classification provided. Collection method: in vitro. Allele origin: not applicable. Functional consequence: cryptic splice site. Not counted in ClinVar's aggregate classification.

Dr. Peter K. Rogan Lab, Western University
No classification provided (evidence only). Condition: Nonpapillary renal cell carcinoma. Review status: no classification provided. Collection method: in vitro. Allele origin: not applicable. Functional consequence: cryptic splice site, skipped exon, retained intron. Not counted in ClinVar's aggregate classification.

Dr. Peter K. Rogan Lab, Western University
No classification provided (evidence only). Condition: Nonpapillary renal cell carcinoma. Review status: no classification provided. Collection method: in vitro. Allele origin: not applicable. Functional consequence: cryptic splice site, retained intron. Not counted in ClinVar's aggregate classification.

Dr. Peter K. Rogan Lab, Western University
No classification provided (evidence only). Condition: Nonpapillary renal cell carcinoma. Review status: no classification provided. Collection method: in vitro. Allele origin: not applicable. Functional consequence: cryptic splice site, retained intron. Not counted in ClinVar's aggregate classification.

Dr. Peter K. Rogan Lab, Western University
No classification provided (evidence only). Condition: Thymoma. Review status: no classification provided. Collection method: in vitro. Allele origin: not applicable. Functional consequence: cryptic splice site, retained intron. Not counted in ClinVar's aggregate classification.

Dr. Peter K. Rogan Lab, Western University
No classification provided (evidence only). Condition: Thymoma. Review status: no classification provided. Collection method: in vitro. Allele origin: not applicable. Functional consequence: cryptic splice site. Not counted in ClinVar's aggregate classification.

Dr. Peter K. Rogan Lab, Western University
No classification provided (evidence only). Condition: Thymoma. Review status: no classification provided. Collection method: in vitro. Allele origin: not applicable. Functional consequence: cryptic splice site, retained intron. Not counted in ClinVar's aggregate classification.

Dr. Peter K. Rogan Lab, Western University
No classification provided (evidence only). Condition: Thymoma. Review status: no classification provided. Collection method: in vitro. Allele origin: not applicable. Functional consequence: cryptic splice site, retained intron. Not counted in ClinVar's aggregate classification.